The following is an entry in ClinVar:

ClinVar aggregate classification (germline): Uncertain significance (1 of 4 stars; one submission).

Submission:

Labcorp Genetics (formerly Invitae), Labcorp
Classification: Uncertain significance. Last evaluated: 2025-03-23. Review status: criteria provided, single submitter. Criteria: Invitae Variant Classification Sherloc (09022015). Collection method: clinical testing. Allele origin: germline.
Comment: This sequence change replaces aspartic acid, which is acidic and polar, with glutamic acid, which is acidic and polar, at codon 599 of the MYLK3 protein (p.Asp599Glu). This variant is not present in population databases (gnomAD no frequency). This variant has not been reported in the literature in individuals affected with MYLK3-related conditions. An algorithm developed to predict the effect of missense changes on protein structure and function (PolyPhen-2) suggests that this variant is likely to be disruptive. In summary, the available evidence is currently insufficient to determine the role of this variant in disease. Therefore, it has been classified as a Variant of Uncertain Significance.

NM_182493.3(MYLK3):c.1797C>A (p.Asp599Glu)

Gene: MYLK3 (myosin light chain kinase 3; minus strand). Cytogenetic location: 16q11.2.
Variant type: single nucleotide variant.
Coding change: c.1797C>A on transcript NM_182493.3 (MANE Select); coding-DNA position 1797, C replaced by A.
Protein change: p.Asp599Glu; replaces aspartic acid 599 with glutamic acid.
Molecular consequence: missense variant.
Genome position (GRCh38, 1-based): chr16:46,727,353, G>T on the plus strand (C>A on the coding strand, the complement: MYLK3 is on the minus strand). VCF-style: chr16-46727353-G-T. GRCh37 (hg19) VCF-style: chr16-46761265-G-T.
Other names: c.774C>A, p.Asp258Glu (NM_001308301.1); short protein forms D258E, D599E.
Identifiers: ClinVar variation 4715749 (VCV004715749.1).